The following is an entry in ClinVar:

NM_000371.4(TTR):c.326A>T (p.Glu109Val)

Gene: TTR (transthyretin; plus strand). Cytogenetic location: 18q12.1.
Variant type: single nucleotide variant.
Coding change: c.326A>T on transcript NM_000371.4 (MANE Select); coding-DNA position 326, A replaced by T.
Protein change: p.Glu109Val; replaces glutamic acid 109 with valine.
Molecular consequence: missense variant.
Genome position (GRCh38, 1-based): chr18:31,595,245, A>T. VCF-style: chr18-31595245-A-T. GRCh37 (hg19) VCF-style: chr18-29175208-A-T.
Other names: short protein forms E109V.
Identifiers: ClinVar variation 846359 (VCV000846359.17), dbSNP rs2073511444, ClinGen allele CA402157144.
Genomic context (GRCh38, chr18:31,595,245, plus strand): 5'-ACAAAGTGGAAATAGACACCAAATCTTACTGGAAGGCACTTGGCATCTCCCCATTCCATG[A>T]GCATGCAGAGGTGAGTATACAGACCTTCGAGGGTTGTTTTGGTTTTGGTTTTTGCTTTTG-3'
Protein context (NP_000362.1, residues 99-119): WKALGISPFH[Glu109Val]HAEVVFTAND

ClinVar aggregate classification (germline): Pathogenic/Likely pathogenic. Review status: criteria provided, multiple submitters, no conflicts (2 of 4 stars). 4 submissions from 4 submitters: Pathogenic (1); Likely pathogenic (3). Last evaluated 2026-01-26.

Conditions:
Amyloidosis, hereditary systemic 1 (AMYLD1). Also called: Familial amyloid polyneuropathy; Transthyretin Amyloidosis; AMYLOID CARDIOMYOPATHY; Isolated Cardiac Amyloidosis; Amyloid Cardiomyopathy, Transthyretin-related; Hereditary oculoleptomeningeal amyloid angiopathy. Identifiers: Orphanet 85447, Orphanet 85451, MedGen C2751492, MONDO:0971004, OMIM 105210.
Cardiovascular phenotype. Identifiers: MedGen CN230736.

Submissions (4):

Labcorp Genetics (formerly Invitae), Labcorp
Classification: Likely pathogenic for Amyloidosis, hereditary systemic 1. Last evaluated: 2026-01-26. Review status: criteria provided, single submitter. Criteria: Invitae Variant Classification Sherloc (09022015). Collection method: clinical testing. Allele origin: germline.
Comment: This sequence change replaces glutamic acid, which is acidic and polar, with valine, which is neutral and non-polar, at codon 109 of the TTR protein (p.Glu109Val). This variant is not present in population databases (gnomAD no frequency). This variant has not been reported in the literature in individuals affected with TTR-related conditions. ClinVar contains an entry for this variant (Variation ID: 846359). Invitae Evidence Modeling of protein sequence and biophysical properties (such as structural, functional, and spatial information, amino acid conservation, physicochemical variation, residue mobility, and thermodynamic stability) indicates that this missense variant is expected to disrupt TTR protein function with a positive predictive value of 95%. This variant disrupts the p.Glu109 amino acid residue in TTR. Other variant(s) that disrupt this residue have been determined to be pathogenic (PMID: 1301926, 10842705, 20209591, 25644864, 28635949, 28911993). This suggests that this residue is clinically significant, and that variants that disrupt this residue are likely to be disease-causing. In summary, the currently available evidence indicates that the variant is pathogenic, but additional data are needed to prove that conclusively. Therefore, this variant has been classified as Likely Pathogenic.

Athena Diagnostics
Classification: Likely pathogenic. Last evaluated: 2025-08-15. Review status: criteria provided, single submitter. Criteria: Athena Diagnostics Criteria. Collection method: clinical testing. Allele origin: unknown.
Comment: This variant has not been reported in large, multi-ethnic general populations. This variant has been identified in multiple unrelated individuals with clinical features associated with this gene. Additionally, this variant has been seen in at least one family with autosomal dominant Müller cell dystrophy. Multiple missense variants at this codon, considered to be pathogenic or likely pathogenic, have been reported in individuals with clinical features associated with this gene, suggesting this variant may also cause disease. Polyphen and MutationTaster predict this amino acid change may be damaging to the protein. At least one other missense variant at this codon is considered to be pathogenic or likely pathogenic, suggesting this variant may also cause disease.

Institute of Human Genetics, University of Leipzig Medical Center
Classification: Pathogenic for Amyloidosis, hereditary systemic 1. Last evaluated: 2025-07-28. Review status: criteria provided, single submitter. Criteria: ACMG Guidelines, 2015. Collection method: clinical testing. Allele origin: unknown. Inheritance: Autosomal dominant inheritance. Affected: yes.
Comment: Criteria applied: PM5_STR,PS4_MOD,PM1,PM2,PP3,PP4

Ambry Genetics
Classification: Likely pathogenic for Cardiovascular phenotype. Last evaluated: 2024-11-13. Review status: criteria provided, single submitter. Criteria: Ambry Variant Classification Scheme 2023. Collection method: clinical testing. Allele origin: germline.
Comment: The p.E109V variant (also known as c.326A>T), located in coding exon 3 of the TTR gene, results from an A to T substitution at nucleotide position 326. The glutamic acid at codon 109 is replaced by valine, an amino acid with dissimilar properties. This variant (also referred to as Glu89Val) has been detected in individuals with features consistent with TTR amyloidosis (Tomoaia R et al. Med Pharm Rep, 2021 Aug;94:S11-S14; Neculae G et al. ESC Heart Fail, 2024 Oct;11:2825-2834). This variant was reported to segregate with disease in a family with M&uuml;ller cell dystrophy (Dalma-Weiszhausz J et al. Retina, 2022 May;42:981-991). Two other variants at the same codon, p.E109Q (c.325G>C) and p.E109K (c.325G>A), have also been detected in individuals with TTR amyloidosis (Barreiros AP et al. Liver Transpl., 2010 Mar;16:314-23; Coelho T et al. Curr Med Res Opin. 2013;29(1):63-76; Rapezzi C. et al. Eur Heart J. 2013;34(7):520-8, Casta&ntilde;o A, et al. Heart Fail Rev 2015 Mar; 20(2):163-78). This amino acid position is highly conserved in available vertebrate species. In addition, this alteration is predicted to be deleterious by in silico analysis. This variant is considered to be rare based on population cohorts in the Genome Aggregation Database (gnomAD). Based on the majority of available evidence to date, this variant is likely to be pathogenic.

Literature cited by the submitters: PubMed 1301926 (cited by Labcorp Genetics (formerly Invitae), Labcorp); PubMed 10842705 (cited by Labcorp Genetics (formerly Invitae), Labcorp); PubMed 20209591 (cited by Labcorp Genetics (formerly Invitae), Labcorp); PubMed 25644864 (cited by Labcorp Genetics (formerly Invitae), Labcorp); PubMed 28635949 (cited by Labcorp Genetics (formerly Invitae), Labcorp); PubMed 28911993 (cited by Labcorp Genetics (formerly Invitae), Labcorp); PubMed 38757395 (cited by Athena Diagnostics and Ambry Genetics); PubMed 35125479 (cited by Athena Diagnostics and Ambry Genetics); PubMed 34527900 (cited by Athena Diagnostics and Ambry Genetics); PubMed 39575713 (cited by Athena Diagnostics); PubMed 39521178 (cited by Athena Diagnostics); PubMed 39878313 (cited by Athena Diagnostics).